The following is an entry in ClinVar:

ClinVar aggregate classification (germline): Uncertain significance (1 of 4 stars; one submission).

gnomAD v4.1: 1 of 1,614,028 alleles (0.000062%); highest among the groups gnomAD compares: Admixed American, 0.0017%; no homozygotes.

Submission:

GeneDx
Classification: Uncertain significance. Last evaluated: 2024-05-08. Review status: criteria provided, single submitter. Criteria: GeneDx Variant Classification Process June 2021. Collection method: clinical testing. Allele origin: germline. Affected: yes.
Comment: In silico analysis supports that this missense variant has a deleterious effect on protein structure/function; Has not been previously published as pathogenic or benign to our knowledge

NM_014975.3(MAST1):c.688G>T (p.Asp230Tyr)

Genes: MAST1 (microtubule associated serine/threonine kinase 1; plus strand), LOC117125587 (CRISPRi-FlowFISH-validated KLF1 and PRDX2 regulatory element; plus strand). Cytogenetic location: 19p13.13.
Variant type: single nucleotide variant.
Coding change: c.688G>T on transcript NM_014975.3 (MANE Select); coding-DNA position 688, G replaced by T.
Protein change: p.Asp230Tyr; replaces aspartic acid 230 with tyrosine.
Molecular consequence: missense variant.
Genome position (GRCh38, 1-based): chr19:12,847,971, G>T. VCF-style: chr19-12847971-G-T. GRCh37 (hg19) VCF-style: chr19-12958785-G-T.
Other names: short protein forms D230Y.
Identifiers: ClinVar variation 3375646 (VCV003375646.1).